The following is an entry in ClinVar:

NM_016216.4(DBR1):c.1231C>G (p.Gln411Glu)

Gene: DBR1 (debranching RNA lariats 1; minus strand). Cytogenetic location: 3q22.3.
Variant type: single nucleotide variant.
Coding change: c.1231C>G on transcript NM_016216.4 (MANE Select); coding-DNA position 1231, C replaced by G.
Protein change: p.Gln411Glu; replaces glutamine 411 with glutamic acid.
Molecular consequence: missense variant.
Genome position (GRCh38, 1-based): chr3:138,162,293, G>C on the plus strand (C>G on the coding strand, the complement: DBR1 is on the minus strand). VCF-style: chr3-138162293-G-C. GRCh37 (hg19) VCF-style: chr3-137881135-G-C.
Other names: short protein forms Q411E.
Identifiers: ClinVar variation 1975077 (VCV001975077.2), dbSNP rs1402323454, ClinGen allele CA354670261.
Genomic context (GRCh38, chr3:138,162,293, plus strand): 5'-ACATTATTTCATCTGGATTAATAGAAGACAGAGCAGATGTGTCTGTATTATATTCACTCT[G>C]GTCTTCTCCAGAGTCATTACTCTCCACATCATCCTGTTCTTCATATTCACCACACACATG-3'
Protein context (NP_057300.2, residues 401-421): DVESNDSGED[Gln411Glu]SEYNTDTSAL

ClinVar aggregate classification (germline): Uncertain significance (1 of 4 stars; one submission).

Allele frequency attached by ClinVar (database versions not stated): gnomAD exomes 0.00001.
gnomAD v4.1: 3 of 1,614,066 alleles (0.00019%); highest among the groups gnomAD compares: Admixed American, 0.0033%; no homozygotes.

Submission:

Labcorp Genetics (formerly Invitae), Labcorp
Classification: Uncertain significance. Last evaluated: 2022-04-23. Review status: criteria provided, single submitter. Criteria: Invitae Variant Classification Sherloc (09022015). Collection method: clinical testing. Allele origin: germline.
Comment: This sequence change replaces glutamine, which is neutral and polar, with glutamic acid, which is acidic and polar, at codon 411 of the DBR1 protein (p.Gln411Glu). This variant is present in population databases (no rsID available, gnomAD 0.006%). This variant has not been reported in the literature in individuals affected with DBR1-related conditions. Algorithms developed to predict the effect of missense changes on protein structure and function (SIFT, PolyPhen-2, Align-GVGD) all suggest that this variant is likely to be tolerated. In summary, the available evidence is currently insufficient to determine the role of this variant in disease. Therefore, it has been classified as a Variant of Uncertain Significance.